The following is an entry in ClinVar:

ClinVar aggregate classification (germline): Uncertain significance (1 of 4 stars; one submission).

gnomAD v4.1: 3 of 1,614,202 alleles (0.00019%); highest among the groups gnomAD compares: African/African-American, 0.0027%; no homozygotes.

Submission:

Labcorp Genetics (formerly Invitae), Labcorp
Classification: Uncertain significance. Last evaluated: 2023-06-30. Review status: criteria provided, single submitter. Criteria: Invitae Variant Classification Sherloc (09022015). Collection method: clinical testing. Allele origin: germline.
Comment: This variant is not present in population databases (gnomAD no frequency). This sequence change replaces serine, which is neutral and polar, with asparagine, which is neutral and polar, at codon 341 of the OAS1 protein (p.Ser341Asn). This variant has not been reported in the literature in individuals affected with OAS1-related conditions. An algorithm developed to predict the effect of missense changes on protein structure and function (PolyPhen-2) suggests that this variant is likely to be tolerated. In summary, the available evidence is currently insufficient to determine the role of this variant in disease. Therefore, it has been classified as a Variant of Uncertain Significance.

NM_016816.4(OAS1):c.1022G>A (p.Ser341Asn)

Gene: OAS1 (2'-5'-oligoadenylate synthetase 1; plus strand). Cytogenetic location: 12q24.13.
Variant type: single nucleotide variant.
Coding change: c.1022G>A on transcript NM_016816.4 (MANE Select); coding-DNA position 1022, G replaced by A.
Protein change: p.Ser341Asn; replaces serine 341 with asparagine.
Molecular consequence: missense variant. On other transcripts: non-coding transcript variant (9).
Genome position (GRCh38, 1-based): chr12:112,917,684, G>A. VCF-style: chr12-112917684-G-A. GRCh37 (hg19) VCF-style: chr12-113355489-G-A.
Other names: c.1022G>A, p.Ser341Asn (NM_001032409.3, NM_001320151.2, NM_001406022.1 and 2 more transcripts); c.998G>A, p.Ser333Asn (NM_001406020.1, NM_001406021.1, NM_001406023.1 and 2 more transcripts); c.548G>A, p.Ser183Asn (NM_001406026.1, NM_001406027.1, NM_001406029.1 and 1 more transcripts); short protein forms S183N, S333N, S341N.
Identifiers: ClinVar variation 2734192 (VCV002734192.3), dbSNP rs1301176950, ClinGen allele CA386808317.